The following is an entry in ClinVar:

NM_016333.4(SRRM2):c.4579A>G (p.Thr1527Ala)

Gene: SRRM2 (serine/arginine repetitive matrix 2; plus strand). Cytogenetic location: 16p13.3.
Variant type: single nucleotide variant.
Coding change: c.4579A>G on transcript NM_016333.4 (MANE Select); coding-DNA position 4579, A replaced by G.
Protein change: p.Thr1527Ala; replaces threonine 1527 with alanine.
Molecular consequence: missense variant.
Genome position (GRCh38, 1-based): chr16:2,765,107, A>G. VCF-style: chr16-2765107-A-G. GRCh37 (hg19) VCF-style: chr16-2815108-A-G.
Other names: short protein forms T1527A.
Identifiers: ClinVar variation 3381604 (VCV003381604.1).

ClinVar aggregate classification (germline): Uncertain significance (1 of 4 stars; one submission).

Submission:

GeneDx
Classification: Uncertain significance. Last evaluated: 2024-05-20. Review status: criteria provided, single submitter. Criteria: GeneDx Variant Classification Process June 2021. Collection method: clinical testing. Allele origin: germline. Affected: yes.
Comment: Not observed at significant frequency in large population cohorts (gnomAD); In silico analysis indicates that this missense variant does not alter protein structure/function; Has not been previously published as pathogenic or benign to our knowledge